The following is an entry in ClinVar:

NM_032802.4(SPPL2A):c.1147-37GTTTT[5]

Gene: SPPL2A (signal peptide peptidase like 2A; minus strand). Cytogenetic location: 15q21.2.
Variant type: Microsatellite.
Coding change: c.1147-37GTTTT[5] on transcript NM_032802.4 (MANE Select); five copies in a row of the 5-base unit GTTTT starting at c.1147-37; the reference has six copies in a row; one copy, 5 bases deleted.
Molecular consequence: intron variant.
Genome position (GRCh38, 1-based): chr15:50,725,331-50,725,335, AAAAC deleted on the plus strand (GTTTT on the coding strand, the reverse complement: SPPL2A is on the minus strand); deleting any 5 consecutive bases within chr15:50,725,331-50,725,364 gives the same sequence; the position shown is the placement nearest the transcript's 3' end. VCF-style (leftmost placement, unchanged base first): chr15-50725330-AAAAAC-A. GRCh37 (hg19) VCF-style: chr15-51017527-AAAAAC-A.
Identifiers: ClinVar variation 1165398 (VCV001165398.11), dbSNP rs140174698, ClinGen allele CA7558277.

ClinVar aggregate classification (germline): Benign. Review status: criteria provided, multiple submitters, no conflicts (2 of 4 stars). 2 submissions from 2 submitters: Benign (2). Last evaluated 2026-02-04.

Submissions (2):

Labcorp Genetics (formerly Invitae), Labcorp
Classification: Benign. Last evaluated: 2026-02-04. Review status: criteria provided, single submitter. Criteria: Invitae Variant Classification Sherloc (09022015). Collection method: clinical testing. Allele origin: germline.

Unidad de Genómica Garrahan, Hospital de Pediatría Garrahan
Classification: Benign. Last evaluated: 2024-01-24. Review status: criteria provided, single submitter. Criteria: ACMG Guidelines, 2015. Collection method: clinical testing. Allele origin: germline. Affected: no. Observed: 50 variant alleles.
Comment: This variant is classified as Benign based on local population frequency. This variant was detected in 57% of patients studied by a panel of primary immunodeficiencies. Number of patients: 50. Only high quality variants are reported.